The following is an entry in ClinVar:

NM_000426.4(LAMA2):c.8712T>A (p.Tyr2904Ter)

Gene: LAMA2 (laminin subunit alpha 2; plus strand). Cytogenetic location: 6q22.33.
Variant type: single nucleotide variant.
Coding change: c.8712T>A on transcript NM_000426.4 (MANE Select); coding-DNA position 8712, T replaced by A.
Protein change: p.Tyr2904Ter; replaces tyrosine 2904 with a stop codon.
Molecular consequence: nonsense.
Genome position (GRCh38, 1-based): chr6:129,507,497, T>A. VCF-style: chr6-129507497-T-A. GRCh37 (hg19) VCF-style: chr6-129828642-T-A.
Other names: c.8700T>A, p.Tyr2900Ter (NM_001079823.2); short protein forms Y2900*, Y2904*.
Identifiers: ClinVar variation 1724753 (VCV001724753.3), dbSNP rs1222759165, ClinGen allele CA365635450.

ClinVar aggregate classification (germline): Likely pathogenic (1 of 4 stars; one submission).

Conditions:
LAMA2-related muscular dystrophy (LAMA2-RD). Also called: Laminin alpha 2-related dystrophy. Identifiers: MedGen C5679788, MONDO:0100228.

Submission:

Myriad Genetics, Inc.
Classification: Likely pathogenic for LAMA2-related muscular dystrophy. Last evaluated: 2022-02-25. Review status: criteria provided, single submitter. Criteria: Myriad Autosomal Dominant, Autosomal Recessive and X-Linked Classification Criteria (2023). Collection method: clinical testing. Allele origin: unknown.
Comment: NM_000426.3(LAMA2):c.8712T>A(Y2904*) is expected to be pathogenic in the context of muscular dystrophy, LAMA2-related. This variant is predicted to lead to an abnormal or absent protein product due to the creation of a premature termination codon in LAMA2, a gene where loss-of-function variants are known to be pathogenic. Please note: this variant was assessed in the context of healthy population screening.